The following is an entry in ClinVar:

NM_147127.5(EVC2):c.2057del (p.Gln686fs)

Gene: EVC2 (EvC ciliary complex subunit 2; minus strand). Cytogenetic location: 4p16.2.
Variant type: Deletion.
Coding change: c.2057del on transcript NM_147127.5 (MANE Select); coding-DNA position 2057, one base deleted (A; older notation c.2057delA).
Protein change: p.Gln686fs; shifts the reading frame from glutamine 686.
Molecular consequence: frameshift variant.
Genome position (GRCh38, 1-based): chr4:5,622,981, T deleted on the plus strand (A on the coding strand, the reverse complement: EVC2 is on the minus strand). VCF-style (leftmost placement, unchanged base first): chr4-5622980-CT-C. GRCh37 (hg19) VCF-style: chr4-5624707-CT-C.
Other names: c.1817del, p.Gln606fs (NM_001166136.2); short protein forms Q686fs, Q606fs.
Identifiers: ClinVar variation 2944170 (VCV002944170.3), dbSNP rs2475376934, ClinGen allele CA2740091136.
Genomic context (GRCh38, chr4:5,622,980, plus strand): 5'-GTACTGGCCGGCATCCTCAACCGTTCGGAAGGCCTCGCCGACGGACGCCTGCTCCCTACG[CT>C]GCTCCCTGTGCTGGAGTTTCAGAAAAGAAAATTAAGTGGGGGTGGGGCTTGGCGGGTACA-3'

ClinVar aggregate classification (germline): Pathogenic (1 of 4 stars; one submission).

Conditions:
Curry-Hall syndrome (WAD). Also called: WEYERS ACRODENTAL DYSOSTOSIS. Identifiers: Orphanet 952, MedGen C0457013, MONDO:0008673, OMIM 193530.
Ellis-van Creveld syndrome (EVC). Also called: EVC-Related Ellis-van Creveld Syndrome; EVC2-Related Ellis-van Creveld Syndrome; MESOECTODERMAL DYSPLASIA; Chondroectodermal dysplasia. Identifiers: Orphanet 289, MedGen C0013903, MONDO:0009162, OMIM 225500.

Submission:

Labcorp Genetics (formerly Invitae), Labcorp
Classification: Pathogenic for Curry-Hall syndrome; Ellis-van Creveld syndrome. Last evaluated: 2023-02-11. Review status: criteria provided, single submitter. Criteria: Invitae Variant Classification Sherloc (09022015). Collection method: clinical testing. Allele origin: germline.
Comment: For these reasons, this variant has been classified as Pathogenic. This variant has not been reported in the literature in individuals affected with EVC2-related conditions. This variant is not present in population databases (gnomAD no frequency). This sequence change creates a premature translational stop signal (p.Gln686Argfs*28) in the EVC2 gene. It is expected to result in an absent or disrupted protein product. Loss-of-function variants in EVC2 are known to be pathogenic (PMID: 17024374, 19810119, 19876929).

Literature cited by the submitters: PubMed 17024374; PubMed 19810119; PubMed 19876929.